The following is an entry in ClinVar:

NM_001267052.2(UNC45B):c.1110G>A (p.Pro370=)

Gene: UNC45B (unc-45 myosin chaperone B; plus strand). Cytogenetic location: 17q12.
Variant type: single nucleotide variant.
Coding change: c.1110G>A on transcript NM_001267052.2 (MANE Select); coding-DNA position 1110, G replaced by A.
Protein change: p.Pro370=; no amino-acid change (proline 370 retained).
Molecular consequence: synonymous variant.
Genome position (GRCh38, 1-based): chr17:35,164,125, G>A. VCF-style: chr17-35164125-G-A. GRCh37 (hg19) VCF-style: chr17-33491144-G-A.
Other names: c.1110G>A, p.Pro370= (NM_001033576.2, NM_001308281.1, NM_173167.3).
Identifiers: ClinVar variation 3357252 (VCV003357252.9).

ClinVar aggregate classification (germline): Likely benign. Review status: criteria provided, single submitter (1 of 4 stars). 2 submissions from 2 submitters: Likely benign (1). 1 of the submissions does not count toward it. Last evaluated 2025-07-01.

Conditions:
UNC45B-related disorder. Also called: UNC45B-related condition.

gnomAD v4.1: 127 of 1,613,476 alleles (0.0079%); highest among the groups gnomAD compares: Middle Eastern, 0.017%; no homozygotes.

Submissions (2):

CeGaT Center for Human Genetics Tuebingen
Classification: Likely benign. Last evaluated: 2025-07-01. Review status: criteria provided, single submitter. Criteria: CeGaT Center For Human Genetics Tuebingen Variant Classification Criteria Version 2. Collection method: clinical testing. Allele origin: germline. Affected: yes. Observed: 1 variant allele.
Comment: UNC45B: BP4, BP7

PreventionGenetics, part of Exact Sciences
Classification: Likely benign for UNC45B-related condition. Last evaluated: 2024-05-14. Review status: no assertion criteria provided. Collection method: clinical testing. Allele origin: germline. Not counted in ClinVar's aggregate classification.
Comment: This variant is classified as likely benign based on ACMG/AMP sequence variant interpretation guidelines (Richards et al. 2015 PMID: 25741868, with internal and published modifications).